The following is an entry in ClinVar:

ClinVar aggregate classification (germline): Uncertain significance. Review status: criteria provided, multiple submitters, no conflicts (2 of 4 stars). 2 submissions from 2 submitters: Uncertain significance (2). Last evaluated 2025-08-27.

Conditions:
Inborn genetic diseases. Identifiers: MedGen C0950123, MeSH D030342.

Allele frequency attached by ClinVar (database versions not stated): gnomAD exomes below 0.00001.
gnomAD v4.1: 6 of 1,460,136 alleles (0.00041%); highest among the groups gnomAD compares: Non-Finnish European, 0.00055%; no homozygotes.

Submissions (2):

Ambry Genetics
Classification: Uncertain significance for Inborn genetic diseases. Last evaluated: 2025-08-27. Review status: criteria provided, single submitter. Criteria: Ambry Variant Classification Scheme 2023. Collection method: clinical testing. Allele origin: germline.

Labcorp Genetics (formerly Invitae), Labcorp
Classification: Uncertain significance. Last evaluated: 2024-12-02. Review status: criteria provided, single submitter. Criteria: Invitae Variant Classification Sherloc (09022015). Collection method: clinical testing. Allele origin: germline.
Comment: This sequence change replaces alanine, which is neutral and non-polar, with proline, which is neutral and non-polar, at codon 1491 of the LRP5 protein (p.Ala1491Pro). This variant is present in population databases (no rsID available, gnomAD 0.002%). This variant has not been reported in the literature in individuals affected with LRP5-related conditions. ClinVar contains an entry for this variant (Variation ID: 2804750). Invitae Evidence Modeling of protein sequence and biophysical properties (such as structural, functional, and spatial information, amino acid conservation, physicochemical variation, residue mobility, and thermodynamic stability) indicates that this missense variant is not expected to disrupt LRP5 protein function with a negative predictive value of 95%. In summary, the available evidence is currently insufficient to determine the role of this variant in disease. Therefore, it has been classified as a Variant of Uncertain Significance.

NM_002335.4(LRP5):c.4471G>C (p.Ala1491Pro)

Gene: LRP5 (LDL receptor related protein 5; plus strand). Cytogenetic location: 11q13.2.
Variant type: single nucleotide variant.
Coding change: c.4471G>C on transcript NM_002335.4 (MANE Select); coding-DNA position 4471, G replaced by C.
Protein change: p.Ala1491Pro; replaces alanine 1491 with proline.
Molecular consequence: missense variant.
Genome position (GRCh38, 1-based): chr11:68,439,899, G>C. VCF-style: chr11-68439899-G-C. GRCh37 (hg19) VCF-style: chr11-68207367-G-C.
Other names: c.2728G>C, p.Ala910Pro (NM_001291902.2); c.4471G>C (NM_002335.2); short protein forms A910P, A1491P.
Identifiers: ClinVar variation 2804750 (VCV002804750.4), dbSNP rs1424516843, ClinGen allele CA381616205.
Genomic context (GRCh38, chr11:68,439,899, plus strand): 5'-CCCCTCTACGACCGGAACCACGTCACAGGGGCCTCGTCCAGCAGCTCGTCCAGCACGAAG[G>C]CCACGCTGTACCCGCCGGTGAGGGGCGGGGCCGGGGAGGGGCGGGGCGGGATGGGGCTGT-3'
Protein context (NP_002326.2, residues 1481-1501): ASSSSSSSTK[Ala1491Pro]TLYPPILNPP